The following is an entry in ClinVar:

NM_170606.3(KMT2C):c.11977G>C (p.Gly3993Arg)

Gene: KMT2C (lysine methyltransferase 2C; minus strand). Cytogenetic location: 7q36.1.
Variant type: single nucleotide variant.
Coding change: c.11977G>C on transcript NM_170606.3 (MANE Select); coding-DNA position 11977, G replaced by C.
Protein change: p.Gly3993Arg; replaces glycine 3993 with arginine.
Molecular consequence: missense variant.
Genome position (GRCh38, 1-based): chr7:152,154,429, C>G on the plus strand (G>C on the coding strand, the complement: KMT2C is on the minus strand). VCF-style: chr7-152154429-C-G. GRCh37 (hg19) VCF-style: chr7-151851514-C-G.
Other names: short protein forms G3993R.
Identifiers: ClinVar variation 1810712 (VCV001810712.1), dbSNP rs755139541, ClinGen allele CA370096888.

ClinVar aggregate classification (germline): Uncertain significance (1 of 4 stars; one submission).

gnomAD v4.1: 3 of 1,613,352 alleles (0.00019%); highest among the groups gnomAD compares: Non-Finnish European, 0.00025%; no homozygotes.

Submission:

GeneDx
Classification: Uncertain significance. Last evaluated: 2022-07-05. Review status: criteria provided, single submitter. Criteria: GeneDx Variant Classification Process June 2021. Collection method: clinical testing. Allele origin: germline. Affected: yes.
Comment: Not observed at significant frequency in large population cohorts (gnomAD); In silico analysis supports that this missense variant has a deleterious effect on protein structure/function; Has not been previously published as pathogenic or benign to our knowledge